The following is an entry in ClinVar:

ClinVar aggregate classification (germline): Uncertain significance. Review status: criteria provided, multiple submitters, no conflicts (2 of 4 stars). 2 submissions from 2 submitters: Uncertain significance (2). Last evaluated 2024-10-07.

Submissions (2):

Labcorp Genetics (formerly Invitae), Labcorp
Classification: Uncertain significance. Last evaluated: 2024-10-07. Review status: criteria provided, single submitter. Criteria: Invitae Variant Classification Sherloc (09022015). Collection method: clinical testing. Allele origin: germline.
Comment: This sequence change replaces alanine, which is neutral and non-polar, with valine, which is neutral and non-polar, at codon 102 of the WFS1 protein (p.Ala102Val). This variant is not present in population databases (gnomAD no frequency). This variant has not been reported in the literature in individuals affected with WFS1-related conditions. Invitae Evidence Modeling of protein sequence and biophysical properties (such as structural, functional, and spatial information, amino acid conservation, physicochemical variation, residue mobility, and thermodynamic stability) indicates that this missense variant is not expected to disrupt WFS1 protein function with a negative predictive value of 95%. Algorithms developed to predict the effect of sequence changes on RNA splicing suggest that this variant may create or strengthen a splice site. In summary, the available evidence is currently insufficient to determine the role of this variant in disease. Therefore, it has been classified as a Variant of Uncertain Significance.

Blueprint Genetics
Classification: Uncertain significance. Last evaluated: 2024-09-05. Review status: criteria provided, single submitter. Criteria: ACMG Guidelines, 2015. Collection method: clinical testing. Allele origin: germline.

NM_006005.3(WFS1):c.305C>T (p.Ala102Val)

Gene: WFS1 (wolframin ER transmembrane glycoprotein; plus strand). Cytogenetic location: 4p16.1.
Variant type: single nucleotide variant.
Coding change: c.305C>T on transcript NM_006005.3 (MANE Select); coding-DNA position 305, C replaced by T.
Protein change: p.Ala102Val; replaces alanine 102 with valine.
Molecular consequence: missense variant.
Genome position (GRCh38, 1-based): chr4:6,287,165, C>T. VCF-style: chr4-6287165-C-T. GRCh37 (hg19) VCF-style: chr4-6288892-C-T.
Other names: c.305C>T, p.Ala102Val (NM_001145853.1); short protein forms A102V.
Identifiers: ClinVar variation 3637000 (VCV003637000.3).
Genomic context (GRCh38, chr4:6,287,165, plus strand): 5'-GAGACATGGAAATCCCCTTTGAAGAAGTCCTGGAGAGGGCCAAGGCCGGGGACCCCAAGG[C>T]ACAGACTGAGGTGAGGACTGCGGTGCCGGCAGGGACTTCGGGACGCGGCCCCCGGCACAA-3'
Protein context (NP_005996.2, residues 92-112): LERAKAGDPK[Ala102Val]QTEVGKHYLQ